The following is an entry in ClinVar:

ClinVar aggregate classification (germline): Uncertain significance (1 of 4 stars; one submission).

gnomAD v4.1: 2 of 1,211,316 alleles (0.00017%); highest among the groups gnomAD compares: Admixed American, 0.0043%; no homozygotes.

Submission:

Labcorp Genetics (formerly Invitae), Labcorp
Classification: Uncertain significance. Last evaluated: 2024-08-18. Review status: criteria provided, single submitter. Criteria: Invitae Variant Classification Sherloc (09022015). Collection method: clinical testing. Allele origin: germline.
Comment: This sequence change replaces alanine, which is neutral and non-polar, with glutamic acid, which is acidic and polar, at codon 2 of the ZC4H2 protein (p.Ala2Glu). This variant is present in population databases (no rsID available, gnomAD 0.008%), including at least one homozygous and/or hemizygous individual. This variant has not been reported in the literature in individuals affected with ZC4H2-related conditions. An algorithm developed to predict the effect of missense changes on protein structure and function (PolyPhen-2) suggests that this variant is likely to be tolerated. In summary, the available evidence is currently insufficient to determine the role of this variant in disease. Therefore, it has been classified as a Variant of Uncertain Significance.

NM_018684.4(ZC4H2):c.5C>A (p.Ala2Glu)

Gene: ZC4H2 (zinc finger C4H2-type containing; minus strand). Cytogenetic location: Xq11.2.
Variant type: single nucleotide variant.
Coding change: c.5C>A on transcript NM_018684.4 (MANE Select); coding-DNA position 5, C replaced by A.
Protein change: p.Ala2Glu; replaces alanine 2 with glutamic acid.
Molecular consequence: missense variant. On other transcripts: non-coding transcript variant (1), intron variant (2).
Genome position (GRCh38, 1-based): chrX:64,976,373, G>T on the plus strand (C>A on the coding strand, the complement: ZC4H2 is on the minus strand). VCF-style: chrX-64976373-G-T. GRCh37 (hg19) VCF-style: chrX-64196253-G-T.
Other names: c.-16-54385C>A (NM_001243804.2); c.-271-54130C>A (NM_001178032.3); c.5C>A, p.Ala2Glu (NM_001178033.3); short protein forms A2E.
Identifiers: ClinVar variation 3709917 (VCV003709917.2).